The following is an entry in ClinVar:

ClinVar aggregate classification (germline): Uncertain significance (1 of 4 stars; one submission).

Submission:

Labcorp Genetics (formerly Invitae), Labcorp
Classification: Uncertain significance. Last evaluated: 2025-09-17. Review status: criteria provided, single submitter. Criteria: Invitae Variant Classification Sherloc (09022015). Collection method: clinical testing. Allele origin: germline.
Comment: This sequence change replaces valine, which is neutral and non-polar, with isoleucine, which is neutral and non-polar, at codon 162 of the HNRNPK protein (p.Val162Ile). This variant is not present in population databases (gnomAD no frequency). This variant has not been reported in the literature in individuals affected with HNRNPK-related conditions. Invitae Evidence Modeling of protein sequence and biophysical properties (such as structural, functional, and spatial information, amino acid conservation, physicochemical variation, residue mobility, and thermodynamic stability) indicates that this missense variant is not expected to disrupt HNRNPK protein function with a negative predictive value of 80%. In summary, the available evidence is currently insufficient to determine the role of this variant in disease. Therefore, it has been classified as a Variant of Uncertain Significance.

NM_031263.4(HNRNPK):c.484G>A (p.Val162Ile)

Genes: HNRNPK (heterogeneous nuclear ribonucleoprotein K; minus strand), HNRNPK-AS1 (HNRNPK antisense RNA 1; plus strand). Cytogenetic location: 9q21.32.
Variant type: single nucleotide variant.
Coding change: c.484G>A on transcript NM_031263.4 (MANE Select); coding-DNA position 484, G replaced by A.
Protein change: p.Val162Ile; replaces valine 162 with isoleucine.
Molecular consequence: missense variant.
Genome position (GRCh38, 1-based): chr9:83,973,318, C>T on the plus strand (G>A on the coding strand, the complement: HNRNPK is on the minus strand). VCF-style: chr9-83973318-C-T. GRCh37 (hg19) VCF-style: chr9-86588233-C-T.
Other names: c.412G>A, p.Val138Ile (NM_001318186.2, NM_001318187.2); c.484G>A, p.Val162Ile (NM_001318188.2, NM_002140.5, NM_031262.4); short protein forms V138I, V162I.
Identifiers: ClinVar variation 4746483 (VCV004746483.1).